The following is an entry in ClinVar:

NM_007294.4(BRCA1):c.5569_5572delinsAGT (p.Gln1857fs)

Gene: BRCA1 (BRCA1 DNA repair associated; minus strand). Cytogenetic location: 17q21.31.
Variant type: Indel.
Coding change: c.5569_5572delinsAGT on transcript NM_007294.4 (MANE Select); coding-DNA positions 5569 to 5572, CAGA replaced by AGT.
Protein change: p.Gln1857fs; shifts the reading frame from glutamine 1857.
Molecular consequence: frameshift variant. On other transcripts: 3 prime UTR variant (17).
Genome position (GRCh38, 1-based): chr17:43,045,698-43,045,701, TCTG replaced by ACT on the plus strand (CAGA replaced by AGT on the coding strand, the reverse complement: BRCA1 is on the minus strand). VCF-style: chr17-43045698-TCTG-ACT. GRCh37 (hg19) VCF-style: chr17-41197715-TCTG-ACT.
Other names: c.5356_5359delinsAGT, p.Gln1786fs (NM_001407571.1, NM_001407894.1, NM_001407895.1 and 12 more transcripts); c.5635_5638delinsAGT, p.Gln1879fs (NM_001407581.1, NM_001407582.1); c.5632_5635delinsAGT, p.Gln1878fs (NM_001407583.1, NM_001407585.1, NM_001407587.1 and 1 more transcripts); c.5629_5632delinsAGT, p.Gln1877fs (NM_001407590.1, NM_001407591.1); c.5569_5572delinsAGT, p.Gln1857fs (NM_001407593.1, NM_001407594.1, NM_001407596.1 and 5 more transcripts); c.5566_5569delinsAGT, p.Gln1856fs (NM_001407610.1, NM_001407611.1, NM_001407612.1 and 14 more transcripts); c.5563_5566delinsAGT, p.Gln1855fs (NM_001407627.1, NM_001407628.1, NM_001407629.1 and 13 more transcripts); c.5560_5563delinsAGT, p.Gln1854fs (NM_001407644.1, NM_001407645.1); and 75 more; short protein forms Q1560fs, Q1561fs, Q1688fs, Q1703fs, Q1728fs, Q1729fs, Q1730fs, Q1744fs.
Identifiers: ClinVar variation 3226175 (VCV003226175.1), dbSNP rs2545836398, ClinGen allele CA2825002509.

ClinVar aggregate classification (germline): Uncertain significance (1 of 4 stars; one submission).

Conditions:
Hereditary cancer-predisposing syndrome. Also called: Neoplastic Syndromes, Hereditary; Tumor predisposition; Hereditary neoplastic syndrome; Hereditary Cancer Syndrome. Identifiers: Orphanet 140162, MedGen C0027672, MeSH D009386, MONDO:0015356.

Submission:

Ambry Genetics
Classification: Uncertain significance for Hereditary cancer-predisposing syndrome. Last evaluated: 2024-02-09. Review status: criteria provided, single submitter. Criteria: Ambry Variant Classification Scheme 2023. Collection method: clinical testing. Allele origin: germline.
Comment: The c.5569_5572delCAGAinsAGT variant, located in coding exon 22 of the BRCA1 gene, results from the deletion of 4 nucleotides and insertion of 3 nucleotides causing a translational frameshift with a predicted alternate stop codon (p.Q1857Sfs*65). This alteration occurs at the 3' terminus of the BRCA1 gene, is not expected to trigger nonsense-mediated mRNA decay and results in the elongation of the protein by 57 amino acids. This frameshift impacts the last 7 amino acids of the native protein. The exact functional effect of the altered amino acids is unknown. A similar elongation (c.5569delC) has been shown to have a deleterious impact in a transcriptional activity protein functional assay (Nepomuceno TC et al. HGG Adv 2023 Sep;4(4):100240). Based on the available evidence, the clinical significance of this alteration remains unclear.

Literature cited by the submitters: PubMed 37718511.